The following is an entry in ClinVar:

NM_138775.3(ALKBH8):c.729C>T (p.Ser243=)

Gene: ALKBH8 (alkB homolog 8, tRNA methyltransferase; minus strand). Cytogenetic location: 11q22.3.
Variant type: single nucleotide variant.
Coding change: c.729C>T on transcript NM_138775.3 (MANE Select); coding-DNA position 729, C replaced by T.
Protein change: p.Ser243=; no amino-acid change (serine 243 retained).
Molecular consequence: synonymous variant.
Genome position (GRCh38, 1-based): chr11:107,549,795, G>A on the plus strand (C>T on the coding strand, the complement: ALKBH8 is on the minus strand). VCF-style: chr11-107549795-G-A. GRCh37 (hg19) VCF-style: chr11-107420521-G-A.
Other names: c.729C>T, p.Ser243= (NM_001301010.3, NM_001378133.1).
Identifiers: ClinVar variation 2642352 (VCV002642352.24), dbSNP rs1048228218, ClinGen allele CA228351412.
Genomic context (GRCh38, chr11:107,549,795, plus strand): 5'-ATAAAAATGACCATTTACCTCTGACCCCAAACTGAGAGAAACGATCTCATCCTCAAAAGC[G>A]GAATGTGTATCAATATGAGCGGGAATTCCTGAGATGGAAAACAGGACAACACGTCACTTC-3'
Protein context (NP_620130.2, residues 233-253): QGIPAHIDTH[Ser243=]AFEDEIVSLS

ClinVar aggregate classification (germline): Likely benign (1 of 4 stars; one submission).

Allele frequency attached by ClinVar (database versions not stated): gnomAD 0.00001; gnomAD exomes 0.00001; TOPMed 0.00001.
gnomAD v4.1: 12 of 1,549,974 alleles (0.00077%); highest among the groups gnomAD compares: South Asian, 0.0048%; no homozygotes.

Submission:

CeGaT Center for Human Genetics Tuebingen
Classification: Likely benign. Last evaluated: 2022-05-01. Review status: criteria provided, single submitter. Criteria: CeGaT Center For Human Genetics Tuebingen Variant Classification Criteria Version 2. Collection method: clinical testing. Allele origin: germline. Affected: yes. Observed: 1 variant allele.
Comment: ALKBH8: BP4, BP7